The following is an entry in ClinVar:

ClinVar aggregate classification (germline): Likely benign (1 of 4 stars; one submission).

Conditions:
CNP-related disorder. Also called: CNP-related condition.

gnomAD v4.1: 547 of 1,614,136 alleles (0.034%); highest among the groups gnomAD compares: African/African-American, 0.41%; 2 homozygotes.

Submission:

PreventionGenetics, part of Exact Sciences
Classification: Likely benign for CNP-related condition. Last evaluated: 2026-09-09. Review status: criteria provided, single submitter. Criteria: ACMG Guidelines, 2015. Collection method: clinical testing. Allele origin: germline.
Comment: This variant is classified as likely benign based on ACMG/AMP sequence variant interpretation guidelines (Richards et al. 2015 PMID: 25741868, with internal and published modifications).

NM_033133.5(CNP):c.971C>T (p.Pro324Leu)

Gene: CNP (2',3'-cyclic nucleotide 3' phosphodiesterase; plus strand). Cytogenetic location: 17q21.2.
Variant type: single nucleotide variant.
Coding change: c.971C>T on transcript NM_033133.5 (MANE Select); coding-DNA position 971, C replaced by T.
Protein change: p.Pro324Leu; replaces proline 324 with leucine.
Molecular consequence: missense variant.
Genome position (GRCh38, 1-based): chr17:41,973,629, C>T. VCF-style: chr17-41973629-C-T. GRCh37 (hg19) VCF-style: chr17-40125647-C-T.
Other names: c.911C>T, p.Pro304Leu (NM_001330216.2); short protein forms P304L, P324L.
Identifiers: ClinVar variation 4990504 (VCV004990504.1).